The following is an entry in ClinVar:

ClinVar aggregate classification (germline): Uncertain significance (1 of 4 stars; one submission).

Conditions:
Epidermolysis bullosa simplex 3, localized or generalized intermediate, with BP230 deficiency (EBS3). Also called: Epidermolysis bullosa simplex, autosomal recessive 2; Epidermolysis bullosa simplex due to BP230 deficiency. Identifiers: Orphanet 412181, MedGen C3809470, MONDO:0014180, OMIM 615425.
Hereditary sensory and autonomic neuropathy type 6. Also called: Neuropathy, hereditary sensory and autonomic, type VI; HSAN VI. Identifiers: Orphanet 314381, MedGen C3539003, MONDO:0013839, OMIM 614653.

Allele frequency attached by ClinVar (database versions not stated): ExAC 0.00008; gnomAD 0.00013; 1000 Genomes Project 30x 0.00016; 1000 Genomes Project 0.00020; ESP Exome Variant Server 0.00023; TOPMed 0.00026.
gnomAD v4.1: 49 of 1,613,376 alleles (0.003%); highest among the groups gnomAD compares: African/African-American, 0.06%; no homozygotes.

Submission:

Labcorp Genetics (formerly Invitae), Labcorp
Classification: Uncertain significance for Epidermolysis bullosa simplex 3, localized or generalized intermediate, with BP230 deficiency; Hereditary sensory and autonomic neuropathy type 6. Last evaluated: 2025-04-17. Review status: criteria provided, single submitter. Criteria: Invitae Variant Classification Sherloc (09022015). Collection method: clinical testing. Allele origin: germline.
Comment: This sequence change replaces aspartic acid, which is acidic and polar, with asparagine, which is neutral and polar, at codon 2060 of the DST protein (p.Asp2060Asn). This variant is present in population databases (rs150618709, gnomAD 0.08%). This variant has not been reported in the literature in individuals affected with DST-related conditions. ClinVar contains an entry for this variant (Variation ID: 574297). An algorithm developed to predict the effect of missense changes on protein structure and function (PolyPhen-2) suggests that this variant is likely to be tolerated. In summary, the available evidence is currently insufficient to determine the role of this variant in disease. Therefore, it has been classified as a Variant of Uncertain Significance.

NM_001723.7(DST):c.6178G>A (p.Asp2060Asn)

Gene: DST (dystonin; minus strand). Cytogenetic location: 6p12.1.
Variant type: single nucleotide variant.
Coding change: c.6178G>A on transcript NM_001723.7 (MANE Plus Clinical); coding-DNA position 6178, G replaced by A.
Protein change: p.Asp2060Asn; replaces aspartic acid 2060 with asparagine.
Molecular consequence: missense variant. On other transcripts: intron variant (10).
Genome position (GRCh38, 1-based): chr6:56,617,289, C>T on the plus strand (G>A on the coding strand, the complement: DST is on the minus strand). VCF-style: chr6-56617289-C-T. GRCh37 (hg19) VCF-style: chr6-56482087-C-T.
Other names: c.4831-2805G>A (NM_001144769.5); c.4930-2805G>A (NM_001374722.1, NM_001374736.1); c.4957-2805G>A (NM_001374734.1); c.4417-2805G>A (NM_001144770.2); c.4297-2805G>A (NM_001374730.1, NM_001386100.1, NM_183380.4 and 1 more transcripts); c.3319-2805G>A (NM_015548.5); short protein forms D2060N.
Identifiers: ClinVar variation 574297 (VCV000574297.7), dbSNP rs150618709, ClinGen allele CA3870213.